The following is an entry in ClinVar:

NM_006231.4(POLE):c.361T>C (p.Ser121Pro)

Gene: POLE (DNA polymerase epsilon, catalytic subunit; minus strand). Cytogenetic location: 12q24.33.
Variant type: single nucleotide variant.
Coding change: c.361T>C on transcript NM_006231.4 (MANE Select); coding-DNA position 361, T replaced by C.
Protein change: p.Ser121Pro; replaces serine 121 with proline.
Molecular consequence: missense variant.
Genome position (GRCh38, 1-based): chr12:132,680,016, A>G on the plus strand (T>C on the coding strand, the complement: POLE is on the minus strand). VCF-style: chr12-132680016-A-G. GRCh37 (hg19) VCF-style: chr12-133256602-A-G.
Other names: short protein forms S121P.
Identifiers: ClinVar variation 3935733 (VCV003935733.1).

ClinVar aggregate classification (germline): Uncertain significance (1 of 4 stars; one submission).

Conditions:
Hereditary cancer-predisposing syndrome. Also called: Tumor predisposition; Hereditary neoplastic syndrome; Hereditary Cancer Syndrome; Neoplastic Syndromes, Hereditary. Identifiers: Orphanet 140162, MedGen C0027672, MeSH D009386, MONDO:0015356.

Submission:

Ambry Genetics
Classification: Uncertain significance for Hereditary cancer-predisposing syndrome. Last evaluated: 2025-04-18. Review status: criteria provided, single submitter. Criteria: Ambry Variant Classification Scheme 2023. Collection method: clinical testing. Allele origin: germline.
Comment: The p.S121P variant (also known as c.361T>C), located in coding exon 5 of the POLE gene, results from a T to C substitution at nucleotide position 361. The serine at codon 121 is replaced by proline, an amino acid with similar properties. This amino acid position is conserved. In addition, the in silico prediction for this alteration is inconclusive. Based on the available evidence, the clinical significance of this variant remains unclear.